The following is an entry in ClinVar:

NM_000075.4(CDK4):c.621G>A (p.Met207Ile)

Gene: CDK4 (cyclin dependent kinase 4; minus strand). Cytogenetic location: 12q14.1.
Variant type: single nucleotide variant.
Coding change: c.621G>A on transcript NM_000075.4 (MANE Select); coding-DNA position 621, G replaced by A.
Protein change: p.Met207Ile; replaces methionine 207 with isoleucine.
Molecular consequence: missense variant.
Genome position (GRCh38, 1-based): chr12:57,750,667, C>T on the plus strand (G>A on the coding strand, the complement: CDK4 is on the minus strand). VCF-style: chr12-57750667-C-T. GRCh37 (hg19) VCF-style: chr12-58144450-C-T.
Other names: short protein forms M207I.
Identifiers: ClinVar variation 3230241 (VCV003230241.1), dbSNP rs2140385618, ClinGen allele CA385545556.
Genomic context (GRCh38, chr12:57,750,667, plus strand): 5'-CAAGCGATTTGGGGAATTCAAGGTAGTCCAGGGTATGTGGGTCCCATACTTTCGACGAAA[C>T]ATCTCTGCAAAGATACAGCCAACACTCCACATGTCCACAGGTGTTGCATATGTGGACTGC-3'
Protein context (NP_000066.1, residues 197-217): MWSVGCIFAE[Met207Ile]FRRKPLFCGN

ClinVar aggregate classification (germline): Uncertain significance (1 of 4 stars; one submission).

Conditions:
Hereditary cancer-predisposing syndrome. Also called: Neoplastic Syndromes, Hereditary; Tumor predisposition; Hereditary neoplastic syndrome; Hereditary Cancer Syndrome. Identifiers: Orphanet 140162, MedGen C0027672, MeSH D009386, MONDO:0015356.

Submission:

Ambry Genetics
Classification: Uncertain significance for Hereditary cancer-predisposing syndrome. Last evaluated: 2023-10-12. Review status: criteria provided, single submitter. Criteria: Ambry Variant Classification Scheme 2023. Collection method: clinical testing. Allele origin: germline.
Comment: The p.M207I variant (also known as c.621G>A), located in coding exon 4 of the CDK4 gene, results from a G to A substitution at nucleotide position 621. The methionine at codon 207 is replaced by isoleucine, an amino acid with highly similar properties. This amino acid position is conserved. In addition, this alteration is predicted to be tolerated by in silico analysis. Since supporting evidence is limited at this time, the clinical significance of this alteration remains unclear.